The following is an entry in ClinVar:

NM_012210.4(TRIM32):c.1858G>A (p.Val620Met)

Genes: ASTN2 (astrotactin 2; minus strand), TRIM32 (tripartite motif containing 32; plus strand). Cytogenetic location: 9q33.1.
Variant type: single nucleotide variant.
Coding change: c.1858G>A on transcript NM_012210.4 (MANE Select); coding-DNA position 1858, G replaced by A.
Protein change: p.Val620Met; replaces valine 620 with methionine.
Molecular consequence: missense variant. On other transcripts: intron variant (3).
Genome position (GRCh38, 1-based): chr9:116,699,600, G>A. VCF-style: chr9-116699600-G-A. GRCh37 (hg19) VCF-style: chr9-119461879-G-A.
Other names: c.1858G>A, p.Val620Met (NM_001099679.2, NM_001379048.1, NM_001379049.1 and 1 more transcripts); c.2653+26171C>T (NM_014010.5); c.2794+26171C>T (NM_001365069.1); c.2806+26171C>T (NM_001365068.1); short protein forms V620M.
Identifiers: ClinVar variation 1487413 (VCV001487413.7), dbSNP rs1861072162, ClinGen allele CA374652589.

ClinVar aggregate classification (germline): Uncertain significance (1 of 4 stars; one submission).

Conditions:
Bardet-Biedl syndrome (BBS). Identifiers: Orphanet 110, MedGen C0752166, MONDO:0015229.

Allele frequency attached by ClinVar (database versions not stated): TOPMed below 0.00001.

Submission:

Labcorp Genetics (formerly Invitae), Labcorp
Classification: Uncertain significance for Bardet-Biedl syndrome. Last evaluated: 2025-10-02. Review status: criteria provided, single submitter. Criteria: Invitae Variant Classification Sherloc (09022015). Collection method: clinical testing. Allele origin: germline.
Comment: This sequence change replaces valine, which is neutral and non-polar, with methionine, which is neutral and non-polar, at codon 620 of the TRIM32 protein (p.Val620Met). This variant is not present in population databases (gnomAD no frequency). This variant has not been reported in the literature in individuals affected with TRIM32-related conditions. ClinVar contains an entry for this variant (Variation ID: 1487413). An algorithm developed to predict the effect of missense changes on protein structure and function (PolyPhen-2) suggests that this variant is likely to be disruptive. In summary, the available evidence is currently insufficient to determine the role of this variant in disease. Therefore, it has been classified as a Variant of Uncertain Significance.